The following is an entry in ClinVar:

ClinVar aggregate classification (germline): Uncertain significance (1 of 4 stars; one submission).

Submission:

Women's Health and Genetics/Laboratory Corporation of America, LabCorp
Classification: Uncertain significance. Last evaluated: 2024-06-28. Review status: criteria provided, single submitter. Criteria: LabCorp Variant Classification Summary - May 2015. Collection method: clinical testing. Allele origin: germline.
Comment: Variant summary: USP27X c.1292A>C (p.Lys431Thr) results in a non-conservative amino acid change in the encoded protein sequence. Two of three in-silico tools predict a damaging effect of the variant on protein function. The variant allele was found at a frequency of 3.5e-05 in 114934 control chromosomes, inclusing 1 hemizygote. The available data on variant occurrences in the general population are insufficient to allow any conclusion about variant significance. To our knowledge, no occurrence of c.1292A>C in individuals affected with Intellectual Disability, X-Linked 105 and no experimental evidence demonstrating its impact on protein function have been reported. No submitters have cited clinical-significance assessments for this variant to ClinVar. Based on the evidence outlined above, the variant was classified as uncertain significance.

NM_001145073.3(USP27X):c.1292A>C (p.Lys431Thr)

Gene: USP27X (ubiquitin specific peptidase 27 X-linked; plus strand). Cytogenetic location: Xp11.23.
Variant type: single nucleotide variant.
Coding change: c.1292A>C on transcript NM_001145073.3 (MANE Select); coding-DNA position 1292, A replaced by C.
Protein change: p.Lys431Thr; replaces lysine 431 with threonine.
Molecular consequence: missense variant.
Genome position (GRCh38, 1-based): chrX:49,881,599, A>C. VCF-style: chrX-49881599-A-C. GRCh37 (hg19) VCF-style: chrX-49646202-A-C.
Other names: short protein forms K431T.
Identifiers: ClinVar variation 3339888 (VCV003339888.1).